The following is an entry in ClinVar:

ClinVar aggregate classification (germline): Conflicting classifications of pathogenicity. Review status: criteria provided, conflicting classifications (1 of 4 stars). 4 submissions from 4 submitters: Uncertain significance (3); Benign (1). Last evaluated 2026-01-25.

Conditions:
Hereditary nonpolyposis colorectal neoplasms. Identifiers: MedGen C0009405, MeSH D003123.
Hereditary cancer-predisposing syndrome. Also called: Neoplastic Syndromes, Hereditary; Tumor predisposition; Hereditary Cancer Syndrome; Hereditary neoplastic syndrome. Identifiers: Orphanet 140162, MedGen C0027672, MeSH D009386, MONDO:0015356.
Lynch syndrome. Identifiers: Orphanet 144, MedGen C4552100, MONDO:0005835. Disease mechanism: loss of function.

Allele frequency attached by ClinVar (database versions not stated): TOPMed below 0.00001.

Submissions (4):

Labcorp Genetics (formerly Invitae), Labcorp
Classification: Benign for Hereditary nonpolyposis colorectal neoplasms. Last evaluated: 2026-01-25. Review status: criteria provided, single submitter. Criteria: Invitae Variant Classification Sherloc (09022015). Collection method: clinical testing. Allele origin: germline.

Ambry Genetics
Classification: Uncertain significance for Hereditary cancer-predisposing syndrome. Last evaluated: 2025-02-26. Review status: criteria provided, single submitter. Criteria: Ambry Variant Classification Scheme 2023. Collection method: clinical testing. Allele origin: germline.
Comment: The p.V1253I variant (also known as c.3757G>A), located in coding exon 8 of the MSH6 gene, results from a G to A substitution at nucleotide position 3757. The valine at codon 1253 is replaced by isoleucine, an amino acid with highly similar properties. This amino acid position is highly conserved in available vertebrate species. In addition, this alteration is predicted to be deleterious by in silico analysis. Since supporting evidence is limited at this time, the clinical significance of this alteration remains unclear.

All of Us Research Program, National Institutes of Health
Classification: Uncertain significance for Lynch syndrome. Last evaluated: 2023-05-23. Review status: criteria provided, single submitter. Criteria: ACMG Guidelines, 2015. Collection method: clinical testing. Allele origin: germline. Inheritance: Autosomal dominant inheritance. Observed: 2 variant alleles, 2 heterozygotes.
Comment: This missense variant replaces valine with isoleucine at codon 1253 of the MSH6 protein. Computational prediction is inconclusive regarding the impact of this variant on protein structure and function (internally defined REVEL score threshold 0.5 < inconclusive < 0.7, PMID: 27666373). To our knowledge, functional studies have not been reported for this variant. This variant has been reported in an individual affected with breast cancer (PMID: 32936981). This variant has not been identified in the general population by the Genome Aggregation Database (gnomAD). The available evidence is insufficient to determine the role of this variant in disease conclusively. Therefore, this variant is classified as a Variant of Uncertain Significance.

This study involves interpretation of variants in research participants for the purpose of population health screening. Participant phenotype was not available at the time of variant classification. Additional details can be found in publication PMID: 35346344, PMCID: PMC8962531

Color Diagnostics, LLC DBA Color Health
Classification: Uncertain significance for Hereditary cancer-predisposing syndrome. Last evaluated: 2023-02-02. Review status: criteria provided, single submitter. Criteria: ACMG Guidelines, 2015. Collection method: clinical testing. Allele origin: germline.
Comment: This missense variant replaces valine with isoleucine at codon 1253 of the MSH6 protein. Computational prediction is inconclusive regarding the impact of this variant on protein structure and function (internally defined REVEL score threshold 0.5 < inconclusive < 0.7, PMID: 27666373). To our knowledge, functional studies have not been reported for this variant. This variant has been reported in an individual affected with breast cancer (PMID: 32936981). This variant has not been identified in the general population by the Genome Aggregation Database (gnomAD). The available evidence is insufficient to determine the role of this variant in disease conclusively. Therefore, this variant is classified as a Variant of Uncertain Significance.

Literature cited by the submitters: PubMed 32936981 (cited by All of Us Research Program, National Institutes of Health and Color Diagnostics, LLC DBA Color Health).

NM_000179.3(MSH6):c.3757G>A (p.Val1253Ile)

Gene: MSH6 (mutS homolog 6; plus strand). Cytogenetic location: 2p16.3.
Variant type: single nucleotide variant.
Coding change: c.3757G>A on transcript NM_000179.3 (MANE Select); coding-DNA position 3757, G replaced by A.
Protein change: p.Val1253Ile; replaces valine 1253 with isoleucine.
Molecular consequence: missense variant.
Genome position (GRCh38, 1-based): chr2:47,806,314, G>A. VCF-style: chr2-47806314-G-A. GRCh37 (hg19) VCF-style: chr2-48033453-G-A.
Other names: c.3367G>A, p.Val1123Ile (NM_001281492.2); c.2851G>A, p.Val951Ile (NM_001281493.2, NM_001281494.2); short protein forms V1253I, V1123I, V951I.
Identifiers: ClinVar variation 232396 (VCV000232396.19), dbSNP rs187491488, ClinGen allele CA10578159.